The following is an entry in ClinVar:

NM_002439.5(MSH3):c.2126T>A (p.Phe709Tyr)

Gene: MSH3 (mutS homolog 3; plus strand). Cytogenetic location: 5q14.1.
Variant type: single nucleotide variant.
Coding change: c.2126T>A on transcript NM_002439.5 (MANE Select); coding-DNA position 2126, T replaced by A.
Protein change: p.Phe709Tyr; replaces phenylalanine 709 with tyrosine.
Molecular consequence: missense variant.
Genome position (GRCh38, 1-based): chr5:80,768,876, T>A. VCF-style: chr5-80768876-T-A. GRCh37 (hg19) VCF-style: chr5-80064695-T-A.
Other names: short protein forms F709Y.
Identifiers: ClinVar variation 2720996 (VCV002720996.3), dbSNP rs2546774230, ClinGen allele CA360279311.
Genomic context (GRCh38, chr5:80,768,876, plus strand): 5'-GCATGTTTTGATTTTTTAGAGTTGGGGATAAAACTGAATTATTTAAAGACCTTTCTGACT[T>A]CCCTTTAATAAAAAAGAGGAAGGATGAAATTCAAGGTGTTATTGACGAGATCCGAATGCA-3'
Protein context (NP_002430.3, residues 699-719): KTELFKDLSD[Phe709Tyr]PLIKKRKDEI

ClinVar aggregate classification (germline): Uncertain significance (1 of 4 stars; one submission).

Submission:

Labcorp Genetics (formerly Invitae), Labcorp
Classification: Uncertain significance. Last evaluated: 2024-04-24. Review status: criteria provided, single submitter. Criteria: Invitae Variant Classification Sherloc (09022015). Collection method: clinical testing. Allele origin: germline.
Comment: This sequence change replaces phenylalanine, which is neutral and non-polar, with tyrosine, which is neutral and polar, at codon 709 of the MSH3 protein (p.Phe709Tyr). This variant is not present in population databases (gnomAD no frequency). This variant has not been reported in the literature in individuals affected with MSH3-related conditions. An algorithm developed to predict the effect of missense changes on protein structure and function (PolyPhen-2) suggests that this variant is likely to be disruptive. In summary, the available evidence is currently insufficient to determine the role of this variant in disease. Therefore, it has been classified as a Variant of Uncertain Significance.